The following is an entry in ClinVar:

NM_001161352.2(KCNMA1):c.2786del (p.Asn929fs)

Genes: KCNMA1 (potassium calcium-activated channel subfamily M alpha 1; minus strand), KCNMA1-AS1 (KCNMA1 antisense RNA 1; plus strand). Cytogenetic location: 10q22.3.
Variant type: Deletion.
Coding change: c.2786del on transcript NM_001161352.2 (MANE Select); coding-DNA position 2786, one base deleted (A; older notation c.2786delA).
Protein change: p.Asn929fs; shifts the reading frame from asparagine 929.
Molecular consequence: frameshift variant.
Genome position (GRCh38, 1-based): chr10:76,944,889, T deleted on the plus strand (A on the coding strand, the reverse complement: KCNMA1 is on the minus strand); the first of 2 consecutive T bases (chr10:76,944,889-76,944,890); deleting either gives the same sequence. VCF-style (leftmost placement, unchanged base first): chr10-76944888-AT-A. GRCh37 (hg19) VCF-style: chr10-78704646-AT-A.
Other names: c.2624del, p.Asn875fs (NM_001322837.2, NM_001014797.3, NM_001322835.2); c.2159del, p.Asn720fs (NM_001322838.2); c.2612del, p.Asn871fs (NM_002247.4, NM_001322832.2); c.2735del, p.Asn912fs (NM_001161353.2); c.2462del, p.Asn821fs (NM_001271518.2); c.2621del, p.Asn874fs (NM_001271519.2, NM_001322829.2, NM_001322836.2); c.2633del, p.Asn878fs (NM_001322830.2); short protein forms N821fs, N871fs, N878fs, N929fs, N720fs, N912fs, N874fs, N875fs.
Identifiers: ClinVar variation 859287 (VCV000859287.8), dbSNP rs2063502424, ClinGen allele CA916083147.
Genomic context (GRCh38, chr10:76,944,888, plus strand): 5'-GTTGAGTGACGCCAAGATGCATTCCTTGTCCTGCAGCGAAGTATCATCAATATTATTCTG[AT>A]TGGCTGACAGGATAACGCACATGTCACAGAGGTTGATGTTGACAGCCCTTAAATCAGCCC-3'

ClinVar aggregate classification (germline): Pathogenic (1 of 4 stars; one submission).

Conditions:
Generalized epilepsy-paroxysmal dyskinesia syndrome (PNKD3). Also called: Paroxysmal nonkinesigenic dyskinesia, 3, with or without generalized epilepsy; Generalized epilepsy and paroxysmal dyskinesia. Identifiers: Orphanet 79137, MedGen C5574945, MONDO:0012276, OMIM 609446.

Submission:

Labcorp Genetics (formerly Invitae), Labcorp
Classification: Pathogenic for Generalized epilepsy-paroxysmal dyskinesia syndrome. Last evaluated: 2019-01-01. Review status: criteria provided, single submitter. Criteria: Invitae Variant Classification Sherloc (09022015). Collection method: clinical testing. Allele origin: germline.
Comment: This sequence change creates a premature translational stop signal (p.Asn871Ilefs*77) in the KCNMA1 gene. It is expected to result in an absent or disrupted protein product. This variant is not present in population databases (ExAC no frequency). This variant has not been reported in the literature in individuals with KCNMA1-related conditions. Loss-of-function variants in KCNMA1 are known to be pathogenic (PMID: 27567911, 29545233). For these reasons, this variant has been classified as Pathogenic.

Literature cited by the submitters: PubMed 27567911; PubMed 29545233.